The following is an entry in ClinVar:

NM_148919.4(PSMB8):c.715G>A (p.Asp239Asn)

Gene: PSMB8 (proteasome 20S subunit beta 8; minus strand). Cytogenetic location: 6p21.32.
Variant type: single nucleotide variant.
Coding change: c.715G>A on transcript NM_148919.4 (MANE Select); coding-DNA position 715, G replaced by A.
Protein change: p.Asp239Asn; replaces aspartic acid 239 with asparagine.
Molecular consequence: missense variant.
Genome position (GRCh38, 1-based): chr6:32,841,558, C>T on the plus strand (G>A on the coding strand, the complement: PSMB8 is on the minus strand). VCF-style: chr6-32841558-C-T. GRCh37 (hg19) VCF-style: chr6-32809335-C-T.
Other names: c.715G>A, p.Asp239Asn (LRG_1328t1); c.703G>A, p.Asp235Asn (LRG_1328t2, NM_004159.5); short protein forms D235N, D239N.
Identifiers: ClinVar variation 533958 (VCV000533958.10), dbSNP rs1554238810, ClinGen allele CA363588370.
Genomic context (GRCh38, chr6:32,841,558, plus strand): 5'-CCAGGCATGGTGGTGGGAGCATTGGTCTCTTACTATTGACAACGCCTCCAGAATAGCTGT[C>T]TCTGTGAGTGGCATAAGCAATAGCCCTGCGGCCAAGGTCATAGGCCTCTTCAGGGCTAAG-3'
Protein context (NP_683720.2, residues 229-249): RRAIAYATHR[Asp239Asn]SYSGGVVNMY

ClinVar aggregate classification (germline): Uncertain significance (1 of 4 stars; one submission).

Conditions:
Proteosome-associated autoinflammatory syndrome. Also called: Proteasome-associated autoinflammatory syndrome. Identifiers: Orphanet 324977, MedGen C1850568, MONDO:0009726.

gnomAD v4.1: 4 of 1,612,830 alleles (0.00025%); highest among the groups gnomAD compares: East Asian, 0.0022%; no homozygotes.

Submission:

Labcorp Genetics (formerly Invitae), Labcorp
Classification: Uncertain significance for Proteosome-associated autoinflammatory syndrome. Last evaluated: 2018-11-07. Review status: criteria provided, single submitter. Criteria: Invitae Variant Classification Sherloc (09022015). Collection method: clinical testing. Allele origin: germline.
Comment: In summary, the available evidence is currently insufficient to determine the role of this variant in disease. Therefore, it has been classified as a Variant of Uncertain Significance. Algorithms developed to predict the effect of missense changes on protein structure and function do not agree on the potential impact of this missense change (SIFT: "Deleterious"; PolyPhen-2: "Probably Damaging"; Align-GVGD: "Class C15"). This variant has not been reported in the literature in individuals with PSMB8-related disease. This variant is not present in population databases (ExAC no frequency). This sequence change replaces aspartic acid with asparagine at codon 239 of the PSMB8 protein (p.Asp239Asn). The aspartic acid residue is highly conserved and there is a small physicochemical difference between aspartic acid and asparagine.